The following is an entry in ClinVar:

NM_017617.5(NOTCH1):c.2468-5C>A

Gene: NOTCH1 (notch receptor 1; minus strand). Cytogenetic location: 9q34.3.
Variant type: single nucleotide variant.
Coding change: c.2468-5C>A on transcript NM_017617.5 (MANE Select); 5 bases into the intron before coding-DNA position 2468, C replaced by A.
Molecular consequence: intron variant.
Genome position (GRCh38, 1-based): chr9:136,511,276, G>T on the plus strand (C>A on the coding strand, the complement: NOTCH1 is on the minus strand). VCF-style: chr9-136511276-G-T. GRCh37 (hg19) VCF-style: chr9-139405728-G-T.
Identifiers: ClinVar variation 1491027 (VCV001491027.8), dbSNP rs932196144, ClinGen allele CA1130014979.
Genomic context (GRCh38, chr9:136,511,276, plus strand): 5'-GCCGTTTCTGCAGGGGCTGGGGGCACACGGGGCCAGCACCACCTCACACGTGGCACCTGC[G>T]GGAAGGAGACACACGTGACCCCGGGAGCCTCACCCAGAGGGATCTCCCAAATCGGCCACC-3'

ClinVar aggregate classification (germline): Uncertain significance (1 of 4 stars; one submission).

Conditions:
Adams-Oliver syndrome 5 (AOS5). Identifiers: Orphanet 974, MedGen C4014970, MONDO:0014459, OMIM 616028.

gnomAD v4.1: 1 of 1,609,568 alleles (0.000062%); no homozygotes.

Submission:

Labcorp Genetics (formerly Invitae), Labcorp
Classification: Uncertain significance for Adams-Oliver syndrome 5. Last evaluated: 2020-12-04. Review status: criteria provided, single submitter. Criteria: Invitae Variant Classification Sherloc (09022015). Collection method: clinical testing. Allele origin: germline.
Comment: In summary, the available evidence is currently insufficient to determine the role of this variant in disease. Therefore, it has been classified as a Variant of Uncertain Significance. Algorithms developed to predict the effect of sequence changes on RNA splicing suggest that this variant may disrupt the consensus splice site, but this prediction has not been confirmed by published transcriptional studies. This variant has not been reported in the literature in individuals with NOTCH1-related conditions. This variant is not present in population databases (ExAC no frequency). This sequence change falls in intron 15 of the NOTCH1 gene. It does not directly change the encoded amino acid sequence of the NOTCH1 protein.